The following is an entry in ClinVar:

NM_002160.4(TNC):c.6098G>A (p.Arg2033His)

Gene: TNC (tenascin C; minus strand). Cytogenetic location: 9q33.1.
Variant type: single nucleotide variant.
Coding change: c.6098G>A on transcript NM_002160.4 (MANE Select); coding-DNA position 6098, G replaced by A.
Protein change: p.Arg2033His; replaces arginine 2033 with histidine.
Molecular consequence: missense variant.
Genome position (GRCh38, 1-based): chr9:115,029,431, C>T on the plus strand (G>A on the coding strand, the complement: TNC is on the minus strand). VCF-style: chr9-115029431-C-T. GRCh37 (hg19) VCF-style: chr9-117791710-C-T.
Other names: c.6647G>A, p.Arg2216His (NM_001439065.1, NM_001439066.1, NM_001439067.1); c.6374G>A, p.Arg2125His (NM_001439068.1, NM_001439069.1, NM_001439070.1); c.6371G>A, p.Arg2124His (NM_001439071.1); c.6101G>A, p.Arg2034His (NM_001439072.1, NM_001439073.1); c.6098G>A, p.Arg2033His (NM_001439074.1, NM_001439075.1, NM_001439076.1); c.5825G>A, p.Arg1942His (NM_001439077.1, NM_001439078.1, NM_001439079.1 and 3 more transcripts); c.5552G>A, p.Arg1851His (NM_001410991.1, NM_001439083.1, NM_001439084.1 and 2 more transcripts); c.5279G>A, p.Arg1760His (NM_001439087.1, NM_001439088.1); and 5 more; short protein forms R1760H, R2124H, R2125H, R2216H, R1487H, R1578H, R1669H, R2034H.
Identifiers: ClinVar variation 4904245 (VCV004904245.2).

ClinVar aggregate classification (germline): Likely benign. Review status: criteria provided, multiple submitters, no conflicts (2 of 4 stars). 2 submissions from 2 submitters: Likely benign (2). Last evaluated 2025-12-04.

Conditions:
TNC-related disorder. Also called: TNC-related condition.

gnomAD v4.1: 146 of 1,614,126 alleles (0.009%); highest among the groups gnomAD compares: Middle Eastern, 0.21%; no homozygotes.

Submissions (2):

PreventionGenetics, part of Exact Sciences
Classification: Likely benign for TNC-related condition. Last evaluated: 2025-12-04. Review status: criteria provided, single submitter. Criteria: ACMG Guidelines, 2015. Collection method: clinical testing. Allele origin: germline.
Comment: This variant is classified as likely benign based on ACMG/AMP sequence variant interpretation guidelines (Richards et al. 2015 PMID: 25741868, with internal and published modifications).

Blueprint Genetics
Classification: Likely benign. Last evaluated: 2024-11-05. Review status: criteria provided, single submitter. Criteria: ACMG Guidelines, 2015. Collection method: clinical testing. Allele origin: germline.